The following is an entry in ClinVar:

ClinVar aggregate classification (germline): Conflicting classifications of pathogenicity. Review status: criteria provided, conflicting classifications (1 of 4 stars). 7 submissions from 7 submitters: Uncertain significance (5); Likely benign (1). 1 of the submissions does not count toward it. Last evaluated 2024-11-11.

Conditions:
SDCCAG8-related disorder. Also called: SDCCAG8-related condition; SDCCAG8-Related Disorders.
Kidney disorder. Also called: Kidney disease; Kidney Diseases; renal disease; Nephropathy; renal disorder. Identifiers: MedGen C0022658, MONDO:0005240, HP:0000112.
Senior-Loken syndrome 7 (SLSN7). Identifiers: Orphanet 3156, MedGen C3150877, MONDO:0013326, OMIM 613615.
Bardet-Biedl syndrome 16 (BBS16). Identifiers: Orphanet 110, MedGen C3889474, MONDO:0014444, OMIM 615993.

Allele frequency attached by ClinVar (database versions not stated): gnomAD exomes 0.00004; ExAC 0.00005; gnomAD 0.00013; TOPMed 0.00015; 1000 Genomes Project 30x 0.00016; 1000 Genomes Project 0.00020.
gnomAD v4.1: 80 of 1,614,000 alleles (0.005%); highest among the groups gnomAD compares: Middle Eastern, 0.099%; no homozygotes.

Submissions (7):

Blueprint Genetics
Classification: Uncertain significance. Last evaluated: 2024-11-11. Review status: criteria provided, single submitter. Criteria: ACMG Guidelines, 2015. Collection method: clinical testing. Allele origin: germline.

Fulgent Genetics
Classification: Uncertain significance for Senior-Loken syndrome 7; Bardet-Biedl syndrome 16. Last evaluated: 2024-06-07. Review status: criteria provided, single submitter. Criteria: ACMG Guidelines, 2015. Collection method: clinical testing. Allele origin: germline.

Labcorp Genetics (formerly Invitae), Labcorp
Classification: Uncertain significance for Bardet-Biedl syndrome 16; Senior-Loken syndrome 7. Last evaluated: 2022-10-24. Review status: criteria provided, single submitter. Criteria: Invitae Variant Classification Sherloc (09022015). Collection method: clinical testing. Allele origin: germline.
Comment: This sequence change replaces glutamic acid, which is acidic and polar, with glutamine, which is neutral and polar, at codon 477 of the SDCCAG8 protein (p.Glu477Gln). This variant is present in population databases (rs556191085, gnomAD 0.04%). This variant has not been reported in the literature in individuals affected with SDCCAG8-related conditions. ClinVar contains an entry for this variant (Variation ID: 845888). Advanced modeling of protein sequence and biophysical properties (such as structural, functional, and spatial information, amino acid conservation, physicochemical variation, residue mobility, and thermodynamic stability) performed at Invitae indicates that this missense variant is not expected to disrupt SDCCAG8 protein function. In summary, the available evidence is currently insufficient to determine the role of this variant in disease. Therefore, it has been classified as a Variant of Uncertain Significance.

Genetic Services Laboratory, University of Chicago
Classification: Uncertain significance. Last evaluated: 2021-05-25. Review status: criteria provided, single submitter. Criteria: ACMG Guidelines, 2015. Collection method: clinical testing. Allele origin: germline. Affected: no.
Comment: DNA sequence analysis of the SDCCAG8 gene demonstrated a sequence change, c.1429G>C, in exon 12 that results in an amino acid change, p.Glu477Gln. This sequence change has been described in gnomAD with frequency of 0.036% in the African American sub-population (dbSNP rs556191085). The p.Glu477Gln change affects a moderately conserved amino acid residue located in a domain of the SDCCAG8 protein that is not known to be functional. In-silico pathogenicity prediction tools (SIFT, PolyPhen2, Align GVGD, REVEL) provide contradictory results for the p.Glu477Gln substitution. This sequence change does not appear to have been previously described in patients with SDCCAG8-related disorders. Due to the lack of sufficient evidences, the clinical significance of the p.Glu477Gln change remains unknown at this time.

Genome Diagnostics Laboratory, The Hospital for Sick Children
Classification: Likely benign for Kidney disorder. Last evaluated: 2017-02-06. Review status: criteria provided, single submitter. Criteria: ACMG Guidelines, 2015. Collection method: clinical testing. Allele origin: germline.

Breakthrough Genomics
Classification: Uncertain significance. Review status: criteria provided, single submitter. Criteria: ACMG Guidelines, 2015. Collection method: not provided. Allele origin: germline. Inheritance: Autosomal recessive inheritance. Affected: yes.

PreventionGenetics, part of Exact Sciences
Classification: Uncertain significance for SDCCAG8-related condition. Last evaluated: 2024-09-04. Review status: no assertion criteria provided. Collection method: clinical testing. Allele origin: germline. Not counted in ClinVar's aggregate classification.
Comment: The SDCCAG8 c.1429G>C variant is predicted to result in the amino acid substitution p.Glu477Gln. To our knowledge, this variant has not been reported in the literature. This variant is reported in 0.036% of alleles in individuals of African descent in gnomAD. At this time, the clinical significance of this variant is uncertain due to the absence of conclusive functional and genetic evidence.

NM_006642.5(SDCCAG8):c.1429G>C (p.Glu477Gln)

Gene: SDCCAG8 (SHH signaling and ciliogenesis regulator SDCCAG8; plus strand). Cytogenetic location: 1q43.
Variant type: single nucleotide variant.
Coding change: c.1429G>C on transcript NM_006642.5 (MANE Select); coding-DNA position 1429, G replaced by C.
Protein change: p.Glu477Gln; replaces glutamic acid 477 with glutamine.
Molecular consequence: missense variant.
Genome position (GRCh38, 1-based): chr1:243,344,287, G>C. VCF-style: chr1-243344287-G-C. GRCh37 (hg19) VCF-style: chr1-243507589-G-C.
Other names: c.526G>C, p.Glu176Gln (NM_001350246.2, NM_001350247.2, NM_001350251.2); c.1525G>C, p.Glu509Gln (NM_001350248.2); c.1135G>C, p.Glu379Gln (NM_001350249.2); short protein forms E176Q, E477Q, E509Q, E379Q.
Identifiers: ClinVar variation 845888 (VCV000845888.17), dbSNP rs556191085, ClinGen allele CA1483642.